The following is an entry in ClinVar:

NM_001042681.2(RERE):c.3401A>G (p.Tyr1134Cys)

Gene: RERE (arginine-glutamic acid dipeptide repeats; minus strand). Cytogenetic location: 1p36.23.
Variant type: single nucleotide variant.
Coding change: c.3401A>G on transcript NM_001042681.2 (MANE Select); coding-DNA position 3401, A replaced by G.
Protein change: p.Tyr1134Cys; replaces tyrosine 1134 with cysteine.
Molecular consequence: missense variant.
Genome position (GRCh38, 1-based): chr1:8,359,981, T>C on the plus strand (A>G on the coding strand, the complement: RERE is on the minus strand). VCF-style: chr1-8359981-T-C. GRCh37 (hg19) VCF-style: chr1-8420041-T-C.
Other names: c.1739A>G, p.Tyr580Cys (NM_001042682.2); c.3401A>G, p.Tyr1134Cys (NM_012102.4); c.3401A>G (NM_012102.3); short protein forms Y580C, Y1134C.
Identifiers: ClinVar variation 1930384 (VCV001930384.6), dbSNP rs756826589, ClinGen allele CA571148.

ClinVar aggregate classification (germline): Uncertain significance. Review status: criteria provided, multiple submitters, no conflicts (2 of 4 stars). 2 submissions from 2 submitters: Uncertain significance (2). Last evaluated 2025-05-17.

Conditions:
Inborn genetic diseases. Identifiers: MedGen C0950123, MeSH D030342.

Allele frequency attached by ClinVar (database versions not stated): TOPMed below 0.00001; gnomAD 0.00001.
gnomAD v4.1: 16 of 1,612,384 alleles (0.00099%); highest among the groups gnomAD compares: South Asian, 0.011%; no homozygotes.

Submissions (2):

Labcorp Genetics (formerly Invitae), Labcorp
Classification: Uncertain significance. Last evaluated: 2025-05-17. Review status: criteria provided, single submitter. Criteria: Invitae Variant Classification Sherloc (09022015). Collection method: clinical testing. Allele origin: germline.
Comment: This sequence change replaces tyrosine, which is neutral and polar, with cysteine, which is neutral and slightly polar, at codon 1134 of the RERE protein (p.Tyr1134Cys). This variant is present in population databases (rs756826589, gnomAD 0.02%). This variant has not been reported in the literature in individuals affected with RERE-related conditions. ClinVar contains an entry for this variant (Variation ID: 1930384). Invitae Evidence Modeling of protein sequence and biophysical properties (such as structural, functional, and spatial information, amino acid conservation, physicochemical variation, residue mobility, and thermodynamic stability) has been performed for this missense variant. However, the output from this modeling did not meet the statistical confidence thresholds required to predict the impact of this variant on RERE protein function. In summary, the available evidence is currently insufficient to determine the role of this variant in disease. Therefore, it has been classified as a Variant of Uncertain Significance.

Ambry Genetics
Classification: Uncertain significance for Inborn genetic diseases. Last evaluated: 2025-04-09. Review status: criteria provided, single submitter. Criteria: Ambry Variant Classification Scheme 2023. Collection method: clinical testing. Allele origin: germline.